The following is an entry in ClinVar:

NM_001083116.3(PRF1):c.54C>T (p.Pro18=)

Gene: PRF1 (perforin 1; minus strand). Cytogenetic location: 10q22.1.
Variant type: single nucleotide variant.
Coding change: c.54C>T on transcript NM_001083116.3 (MANE Select); coding-DNA position 54, C replaced by T.
Protein change: p.Pro18=; no amino-acid change (proline 18 retained).
Molecular consequence: synonymous variant.
Genome position (GRCh38, 1-based): chr10:70,600,849, G>A on the plus strand (C>T on the coding strand, the complement: PRF1 is on the minus strand). VCF-style: chr10-70600849-G-A. GRCh37 (hg19) VCF-style: chr10-72360605-G-A.
Other names: c.54C>T, p.Pro18= (NM_005041.6).
Identifiers: ClinVar variation 1933675 (VCV001933675.7), dbSNP rs762553478, ClinGen allele CA5539141.

ClinVar aggregate classification (germline): Likely benign. Review status: criteria provided, single submitter (1 of 4 stars). 2 submissions from 2 submitters: Likely benign (1). 1 of the submissions does not count toward it. Last evaluated 2025-04-14.

Conditions:
PRF1-related disorder. Also called: PRF1-related condition.
Familial hemophagocytic lymphohistiocytosis 2 (FHL2). Also called: PRF1-Related Familial Hemophagocytic Lymphohistiocytosis (PRF1-fHLH). Identifiers: Orphanet 540, MedGen C1863727, MONDO:0011337, OMIM 603553.

Allele frequency attached by ClinVar (database versions not stated): TOPMed below 0.00001; ExAC 0.00001; gnomAD 0.00001; gnomAD exomes 0.00001.
gnomAD v4.1: 10 of 1,609,892 alleles (0.00062%); highest among the groups gnomAD compares: Admixed American, 0.0017%; no homozygotes.

Submissions (2):

Labcorp Genetics (formerly Invitae), Labcorp
Classification: Likely benign for Familial hemophagocytic lymphohistiocytosis 2. Last evaluated: 2025-04-14. Review status: criteria provided, single submitter. Criteria: Invitae Variant Classification Sherloc (09022015). Collection method: clinical testing. Allele origin: germline.

PreventionGenetics, part of Exact Sciences
Classification: Likely benign for PRF1-related condition. Last evaluated: 2019-06-25. Review status: no assertion criteria provided. Collection method: clinical testing. Allele origin: germline. Not counted in ClinVar's aggregate classification.
Comment: This variant is classified as likely benign based on ACMG/AMP sequence variant interpretation guidelines (Richards et al. 2015 PMID: 25741868, with internal and published modifications).